The following is an entry in ClinVar:

NM_144596.4(TTC8):c.1400C>T (p.Pro467Leu)

Gene: TTC8 (tetratricopeptide repeat domain 8; plus strand). Cytogenetic location: 14q31.3.
Variant type: single nucleotide variant.
Coding change: c.1400C>T on transcript NM_144596.4 (MANE Select); coding-DNA position 1400, C replaced by T.
Protein change: p.Pro467Leu; replaces proline 467 with leucine.
Molecular consequence: missense variant. On other transcripts: non-coding transcript variant (1), intron variant (2).
Genome position (GRCh38, 1-based): chr14:88,875,078, C>T. VCF-style: chr14-88875078-C-T. GRCh37 (hg19) VCF-style: chr14-89341422-C-T.
Other names: c.1400C>T (NM_144596.3); c.1448C>T, p.Pro483Leu (NM_001288781.1); c.806C>T, p.Pro269Leu (NM_001288782.1); c.683C>T, p.Pro228Leu (NM_001288783.1); c.1370C>T, p.Pro457Leu (NM_198309.3); c.1280C>T, p.Pro427Leu (NM_198310.3); c.1318-2216C>T (NM_001366535.2); c.1228-2216C>T (NM_001366536.2); short protein forms P228L, P269L, P427L, P457L, P467L, P483L.
Identifiers: ClinVar variation 2437395 (VCV002437395.5), dbSNP rs202031505, ClinGen allele CA7302748.
Genomic context (GRCh38, chr14:88,875,078, plus strand): 5'-ATACACAGGCAAGGGCACTATTACAAACTGCATCATCATTAGCACCCCATATGTATGAAC[C>T]GCATTTTAATTTTGCAACAATCTCTGATAAGGTATTCTCTTTCTTCATTAATTTATCATC-3'
Protein context (NP_653197.2, residues 457-477): ASSLAPHMYE[Pro467Leu]HFNFATISDK

ClinVar aggregate classification (germline): Uncertain significance. Review status: criteria provided, multiple submitters, no conflicts (2 of 4 stars). 3 submissions from 3 submitters: Uncertain significance (3). Last evaluated 2026-03-04.

Conditions:
Retinitis pigmentosa 51 (RP51). Identifiers: Orphanet 791, MedGen C3150715, MONDO:0013274, OMIM 613464.
Bardet-Biedl syndrome 8 (BBS8). Identifiers: Orphanet 110, MedGen C1859566, MONDO:0014436, OMIM 615985.
TTC8-related disorder. Also called: TTC8-related condition.

Allele frequency attached by ClinVar (database versions not stated): gnomAD 0.00001; TOPMed 0.00002; ExAC 0.00004.
gnomAD v4.1: 75 of 1,612,516 alleles (0.0047%); highest among the groups gnomAD compares: Non-Finnish European, 0.0055%; no homozygotes.

Submissions (3):

PreventionGenetics, part of Exact Sciences
Classification: Uncertain significance for TTC8-related condition. Last evaluated: 2026-03-04. Review status: criteria provided, single submitter. Criteria: ACMG Guidelines, 2015. Collection method: clinical testing. Allele origin: germline.
Comment: The TTC8 c.1400C>T variant is predicted to result in the amino acid substitution p.Pro467Leu. To our knowledge, this variant has not been reported in the literature. This variant is reported in 0.0098% of alleles in individuals of South Asian descent in gnomAD. At this time, the clinical significance of this variant is uncertain due to the absence of conclusive functional and genetic evidence.

Fulgent Genetics
Classification: Uncertain significance for Retinitis pigmentosa 51; Bardet-Biedl syndrome 8. Last evaluated: 2024-01-31. Review status: criteria provided, single submitter. Criteria: ACMG Guidelines, 2015. Collection method: clinical testing. Allele origin: germline.

Revvity Omics, Revvity
Classification: Uncertain significance. Last evaluated: 2019-03-18. Review status: criteria provided, single submitter. Criteria: ACMG Guidelines, 2015. Collection method: clinical testing. Allele origin: germline.